The following is an entry in ClinVar:

NM_018344.6(SLC29A3):c.1406C>T (p.Thr469Ile)

Gene: SLC29A3 (solute carrier family 29 member 3; plus strand). Cytogenetic location: 10q22.1.
Variant type: single nucleotide variant.
Coding change: c.1406C>T on transcript NM_018344.6 (MANE Select); coding-DNA position 1406, C replaced by T.
Protein change: p.Thr469Ile; replaces threonine 469 with isoleucine.
Molecular consequence: missense variant. On other transcripts: 3 prime UTR variant (1), non-coding transcript variant (2).
Genome position (GRCh38, 1-based): chr10:71,362,586, C>T. VCF-style: chr10-71362586-C-T. GRCh37 (hg19) VCF-style: chr10-73122343-C-T.
Other names: c.*635C>T (NM_001174098.2); c.1172C>T, p.Thr391Ile (NM_001363518.2); short protein forms T391I, T469I.
Identifiers: ClinVar variation 1368089 (VCV001368089.8), dbSNP rs748043094, ClinGen allele CA5543196.

ClinVar aggregate classification (germline): Uncertain significance (1 of 4 stars; one submission).

Conditions:
H syndrome. Also called: Asrar Facharzt Haque syndrome; Histiocytosis with joint contractures and sensorineural deafness; Pigmented hypertrichosis and insulin-dependent diabetes mellitus; ROSAI-DORFMAN DISEASE, FAMILIAL; SINUS HISTIOCYTOSIS AND MASSIVE LYMPHADENOPATHY; Hyperpigmentation, Cutaneous, with Hypertrichosis, Hepatosplenomegaly, Heart Anomalies, Hearing Loss, and Hypogonadism. Identifiers: Orphanet 168569, MedGen C1864445, MONDO:0011273, OMIM 602782.

Allele frequency attached by ClinVar (database versions not stated): gnomAD exomes below 0.00001; ExAC 0.00001.
gnomAD v4.1: 1 of 1,614,144 alleles (0.000062%); highest among the groups gnomAD compares: Non-Finnish European, 0.000085%; no homozygotes.

Submission:

Labcorp Genetics (formerly Invitae), Labcorp
Classification: Uncertain significance for H syndrome. Last evaluated: 2021-07-17. Review status: criteria provided, single submitter. Criteria: Invitae Variant Classification Sherloc (09022015). Collection method: clinical testing. Allele origin: germline.
Comment: In summary, the available evidence is currently insufficient to determine the role of this variant in disease. Therefore, it has been classified as a Variant of Uncertain Significance. Algorithms developed to predict the effect of missense changes on protein structure and function (SIFT, PolyPhen-2, Align-GVGD) all suggest that this variant is likely to be tolerated. This variant has not been reported in the literature in individuals affected with SLC29A3-related conditions. This variant is present in population databases (rs748043094, ExAC 0.002%). This sequence change replaces threonine with isoleucine at codon 469 of the SLC29A3 protein (p.Thr469Ile). The threonine residue is weakly conserved and there is a moderate physicochemical difference between threonine and isoleucine.